The following is an entry in ClinVar:

NM_000297.4(PKD2):c.1291G>A (p.Ala431Thr)

Gene: PKD2 (polycystin 2, transient receptor potential cation channel; plus strand). Cytogenetic location: 4q22.1.
Variant type: single nucleotide variant.
Coding change: c.1291G>A on transcript NM_000297.4 (MANE Select); coding-DNA position 1291, G replaced by A.
Protein change: p.Ala431Thr; replaces alanine 431 with threonine.
Molecular consequence: missense variant. On other transcripts: non-coding transcript variant (1).
Genome position (GRCh38, 1-based): chr4:88,043,429, G>A. VCF-style: chr4-88043429-G-A. GRCh37 (hg19) VCF-style: chr4-88964581-G-A.
Other names: short protein forms A431T.
Identifiers: ClinVar variation 2201641 (VCV002201641.4), dbSNP rs759189075, ClinGen allele CA3003917.

ClinVar aggregate classification (germline): Uncertain significance (1 of 4 stars; one submission).

Conditions:
Autosomal dominant polycystic kidney disease. Identifiers: Orphanet 730, MedGen C0085413, MONDO:0004691.

Allele frequency attached by ClinVar (database versions not stated): gnomAD exomes below 0.00001; ExAC 0.00001; TOPMed 0.00001.
gnomAD v4.1: 6 of 1,613,068 alleles (0.00037%); highest among the groups gnomAD compares: South Asian, 0.0011%; no homozygotes.

Submission:

Labcorp Genetics (formerly Invitae), Labcorp
Classification: Uncertain significance for Autosomal dominant polycystic kidney disease. Last evaluated: 2022-08-19. Review status: criteria provided, single submitter. Criteria: Invitae Variant Classification Sherloc (09022015). Collection method: clinical testing. Allele origin: germline.
Comment: This sequence change replaces alanine, which is neutral and non-polar, with threonine, which is neutral and polar, at codon 431 of the PKD2 protein (p.Ala431Thr). This variant is present in population databases (rs759189075, gnomAD 0.003%). This variant has not been reported in the literature in individuals affected with PKD2-related conditions. Algorithms developed to predict the effect of missense changes on protein structure and function are either unavailable or do not agree on the potential impact of this missense change (SIFT: "Tolerated"; PolyPhen-2: "Possibly Damaging"; Align-GVGD: "Class C0"). In summary, the available evidence is currently insufficient to determine the role of this variant in disease. Therefore, it has been classified as a Variant of Uncertain Significance.